The following is an entry in ClinVar:

ClinVar aggregate classification (germline): Uncertain significance (1 of 4 stars; one submission).

Conditions:
Inborn genetic diseases. Identifiers: MedGen C0950123, MeSH D030342.

Submission:

Ambry Genetics
Classification: Uncertain significance for Inborn genetic diseases. Last evaluated: 2025-02-19. Review status: criteria provided, single submitter. Criteria: Ambry Variant Classification Scheme 2023. Collection method: clinical testing. Allele origin: germline.
Comment: The c.475T>C (p.S159P) alteration is located in exon 9 (coding exon 4) of the MBD5 gene. This alteration results from a T to C substitution at nucleotide position 475, causing the serine (S) at amino acid position 159 to be replaced by a proline (P). This variant was not reported in population-based cohorts in the Genome Aggregation Database (gnomAD). This amino acid position is well conserved in available vertebrate species. This alteration is predicted to be tolerated by in silico analysis. Based on insufficient or conflicting evidence, the clinical significance of this alteration remains unclear.

NM_001378120.1(MBD5):c.475T>C (p.Ser159Pro)

Gene: MBD5 (methyl-CpG binding domain protein 5; plus strand). Cytogenetic location: 2q23.1.
Variant type: single nucleotide variant.
Coding change: c.475T>C on transcript NM_001378120.1 (MANE Select); coding-DNA position 475, T replaced by C.
Protein change: p.Ser159Pro; replaces serine 159 with proline.
Molecular consequence: missense variant.
Genome position (GRCh38, 1-based): chr2:148,468,418, T>C. VCF-style: chr2-148468418-T-C. GRCh37 (hg19) VCF-style: chr2-149225987-T-C.
Other names: c.475T>C, p.Ser159Pro (NM_018328.5); short protein forms S159P.
Identifiers: ClinVar variation 3870959 (VCV003870959.1).